The following is an entry in ClinVar:

ClinVar aggregate classification (germline): Uncertain significance (1 of 4 stars; one submission).

Conditions:
Rhabdoid tumor predisposition syndrome 2 (RTPS2). Identifiers: Orphanet 231108, Orphanet 69077, MedGen C2750074, MONDO:0013224, OMIM 613325.

Submission:

Labcorp Genetics (formerly Invitae), Labcorp
Classification: Uncertain significance for Rhabdoid tumor predisposition syndrome 2. Last evaluated: 2020-07-27. Review status: criteria provided, single submitter. Criteria: Invitae Variant Classification Sherloc (09022015). Collection method: clinical testing. Allele origin: germline.
Comment: In summary, the available evidence is currently insufficient to determine the role of this variant in disease. Therefore, it has been classified as a Variant of Uncertain Significance. Algorithms developed to predict the effect of missense changes on protein structure and function do not agree on the potential impact of this missense change (SIFT: "Deleterious"; PolyPhen-2: "Benign"; Align-GVGD: "Class C0"). This variant has not been reported in the literature in individuals with SMARCA4-related disease. This variant is not present in population databases (ExAC no frequency). This sequence change replaces methionine with isoleucine at codon 210 of the SMARCA4 protein (p.Met210Ile). The methionine residue is highly conserved and there is a small physicochemical difference between methionine and isoleucine.

NM_003072.5(SMARCA4):c.630G>C (p.Met210Ile)

Gene: SMARCA4 (SWI/SNF related BAF chromatin remodeling complex subunit ATPase 4; plus strand). Cytogenetic location: 19p13.2.
Variant type: single nucleotide variant.
Coding change: c.630G>C on transcript NM_003072.5 (MANE Select); coding-DNA position 630, G replaced by C.
Protein change: p.Met210Ile; replaces methionine 210 with isoleucine.
Molecular consequence: missense variant. On other transcripts: non-coding transcript variant (1).
Genome position (GRCh38, 1-based): chr19:10,986,463, G>C. VCF-style: chr19-10986463-G-C. GRCh37 (hg19) VCF-style: chr19-11097139-G-C.
Other names: c.630G>C, p.Met210Ile (NM_001128844.3, NM_001128845.2, NM_001128846.2 and 5 more transcripts); short protein forms M210I.
Identifiers: ClinVar variation 581367 (VCV000581367.8), dbSNP rs1043452739, ClinGen allele CA404056668.